The following is an entry in ClinVar:

NM_001875.5(CPS1):c.4161+1G>A

Gene: CPS1 (carbamoyl-phosphate synthase 1; plus strand). Cytogenetic location: 2q34.
Variant type: single nucleotide variant.
Coding change: c.4161+1G>A on transcript NM_001875.5 (MANE Select); the canonical splice donor site of the intron after coding-DNA position 4161, G replaced by A.
Molecular consequence: splice donor variant.
Genome position (GRCh38, 1-based): chr2:210,674,962, G>A. VCF-style: chr2-210674962-G-A. GRCh37 (hg19) VCF-style: chr2-211539686-G-A.
Other names: c.4161+1G>A (NM_001369257.1, NM_001122633.3); c.4194+1G>A (NM_001369256.1).
Identifiers: ClinVar variation 1961522 (VCV001961522.5), dbSNP rs2469378876, ClinGen allele CA350440312.

ClinVar aggregate classification (germline): Likely pathogenic (1 of 4 stars; one submission).

Conditions:
Congenital hyperammonemia, type I. Also called: Carbamoyl-phosphate synthase I deficiency; CPS I DEFICIENCY; Carbamoyl phosphate synthetase 1 deficiency; Hyperammonemia due to carbamoyl phosphate synthetase 1 deficiency; CPS 1 deficiency; Carbamyl phosphate synthetase (CPS) deficiency. Identifiers: Orphanet 147, MedGen C4082171, MONDO:0009376, OMIM 237300.

Submission:

Labcorp Genetics (formerly Invitae), Labcorp
Classification: Likely pathogenic for Congenital hyperammonemia, type I. Last evaluated: 2025-12-09. Review status: criteria provided, single submitter. Criteria: Invitae Variant Classification Sherloc (09022015). Collection method: clinical testing. Allele origin: germline.
Comment: This sequence change affects a donor splice site in intron 35 of the CPS1 gene. It is expected to disrupt RNA splicing. Variants that disrupt the donor or acceptor splice site typically lead to a loss of protein function (PMID: 16199547), and loss-of-function variants in CPS1 are known to be pathogenic (PMID: 21120950). This variant is not present in population databases (gnomAD no frequency). This variant has not been reported in the literature in individuals affected with CPS1-related conditions. ClinVar contains an entry for this variant (Variation ID: 1961522). Algorithms developed to predict the effect of sequence changes on RNA splicing suggest that this variant may disrupt the consensus splice site. In summary, the currently available evidence indicates that the variant is pathogenic, but additional data are needed to prove that conclusively. Therefore, this variant has been classified as Likely Pathogenic.

Literature cited by the submitters: PubMed 16199547; PubMed 21120950.